The following is an entry in ClinVar:

NM_001370259.2(MEN1):c.1498C>G (p.Leu500Val)

Gene: MEN1 (menin 1; minus strand). Cytogenetic location: 11q13.1.
Variant type: single nucleotide variant.
Coding change: c.1498C>G on transcript NM_001370259.2 (MANE Select); coding-DNA position 1498, C replaced by G.
Protein change: p.Leu500Val; replaces leucine 500 with valine.
Molecular consequence: missense variant. On other transcripts: non-coding transcript variant (4).
Genome position (GRCh38, 1-based): chr11:64,804,669, G>C on the plus strand (C>G on the coding strand, the complement: MEN1 is on the minus strand). VCF-style: chr11-64804669-G-C. GRCh37 (hg19) VCF-style: chr11-64572141-G-C.
Other names: c.1513C>G, p.Leu505Val (NM_000244.4, NM_001407145.1, NM_130800.3 and 4 more transcripts); c.1624C>G, p.Leu542Val (NM_001370251.2, NM_001407142.1, NM_001407143.1 and 1 more transcripts); c.1498C>G, p.Leu500Val (NM_001370260.2, NM_001370261.2, NM_001407146.1 and 2 more transcripts); c.1393C>G, p.Leu465Val (NM_001370262.2, NM_001370263.2, NM_001407148.1 and 1 more transcripts); c.1639C>G, p.Leu547Val (NM_001407150.1); c.1519C>G, p.Leu507Val (NM_001407151.1); c.1333C>G, p.Leu445Val (NM_001407152.1); short protein forms L505V, L445V, L500V, L547V, L507V, L465V, L542V.
Identifiers: ClinVar variation 2564987 (VCV002564987.2), dbSNP rs2136087489, ClinGen allele CA381178859.

ClinVar aggregate classification (germline): Uncertain significance (1 of 4 stars; one submission).

Conditions:
Hereditary cancer-predisposing syndrome. Also called: Neoplastic Syndromes, Hereditary; Hereditary Cancer Syndrome; Hereditary neoplastic syndrome; Tumor predisposition. Identifiers: Orphanet 140162, MedGen C0027672, MeSH D009386, MONDO:0015356.

Submission:

Ambry Genetics
Classification: Uncertain significance for Hereditary cancer-predisposing syndrome. Last evaluated: 2023-05-27. Review status: criteria provided, single submitter. Criteria: Ambry Variant Classification Scheme 2023. Collection method: clinical testing. Allele origin: germline.
Comment: The p.L500V variant (also known as c.1498C>G), located in coding exon 9 of the MEN1 gene, results from a C to G substitution at nucleotide position 1498. The leucine at codon 500 is replaced by valine, an amino acid with highly similar properties. This amino acid position is conserved. In addition, this alteration is predicted to be tolerated by in silico analysis. Since supporting evidence is limited at this time, the clinical significance of this alteration remains unclear.